The following is an entry in ClinVar:

NM_016169.4(SUFU):c.924C>G (p.Ile308Met)

Gene: SUFU (SUFU negative regulator of hedgehog signaling; plus strand). Cytogenetic location: 10q24.32.
Variant type: single nucleotide variant.
Coding change: c.924C>G on transcript NM_016169.4 (MANE Select); coding-DNA position 924, C replaced by G.
Protein change: p.Ile308Met; replaces isoleucine 308 with methionine.
Molecular consequence: missense variant.
Genome position (GRCh38, 1-based): chr10:102,599,446, C>G. VCF-style: chr10-102599446-C-G. GRCh37 (hg19) VCF-style: chr10-104359203-C-G.
Other names: c.924C>G, p.Ile308Met (NM_001178133.2); short protein forms I308M.
Identifiers: ClinVar variation 2036956 (VCV002036956.5), dbSNP rs2063495141, ClinGen allele CA377911019.

ClinVar aggregate classification (germline): Uncertain significance. Review status: criteria provided, multiple submitters, no conflicts (2 of 4 stars). 2 submissions from 2 submitters: Uncertain significance (2). Last evaluated 2026-02-20.

Conditions:
Hereditary cancer-predisposing syndrome. Also called: Neoplastic Syndromes, Hereditary; Tumor predisposition; Hereditary Cancer Syndrome; Hereditary neoplastic syndrome. Identifiers: Orphanet 140162, MedGen C0027672, MeSH D009386, MONDO:0015356.
Medulloblastoma (MDB). Also called: Medulloblastoma, somatic; MEDULLOBLASTOMA PREDISPOSITION SYNDROME. Identifiers: Orphanet 616, MedGen C0025149, MeSH D008527, MONDO:0007959, OMIM 155255, HP:0002885.
Gorlin syndrome. Also called: Nevoid Basal Cell Carcinoma Syndrome; Basal cell nevus syndrome. Identifiers: Orphanet 377, MedGen C0004779, MONDO:0007187.

Allele frequency attached by ClinVar (database versions not stated): gnomAD exomes below 0.00001.
gnomAD v4.1: 1 of 1,614,066 alleles (0.000062%); highest among the groups gnomAD compares: Non-Finnish European, 0.000085%; no homozygotes.

Submissions (2):

Ambry Genetics
Classification: Uncertain significance for Hereditary cancer-predisposing syndrome. Last evaluated: 2026-02-20. Review status: criteria provided, single submitter. Criteria: Ambry Variant Classification Scheme 2023. Collection method: clinical testing. Allele origin: germline.
Comment: The p.I308M variant (also known as c.924C>G), located in coding exon 8 of the SUFU gene, results from a C to G substitution at nucleotide position 924. The isoleucine at codon 308 is replaced by methionine, an amino acid with highly similar properties. This amino acid position is highly conserved in available vertebrate species. In addition, the in silico prediction for this alteration is inconclusive. Based on the available evidence, the clinical significance of this variant remains unclear.

Labcorp Genetics (formerly Invitae), Labcorp
Classification: Uncertain significance for Gorlin syndrome; Medulloblastoma. Last evaluated: 2021-12-11. Review status: criteria provided, single submitter. Criteria: Invitae Variant Classification Sherloc (09022015). Collection method: clinical testing. Allele origin: germline.
Comment: Algorithms developed to predict the effect of missense changes on protein structure and function are either unavailable or do not agree on the potential impact of this missense change (SIFT: "Tolerated"; PolyPhen-2: "Possibly Damaging"; Align-GVGD: "Class C0"). This variant has not been reported in the literature in individuals affected with SUFU-related conditions. This variant is not present in population databases (gnomAD no frequency). This sequence change replaces isoleucine, which is neutral and non-polar, with methionine, which is neutral and non-polar, at codon 308 of the SUFU protein (p.Ile308Met). In summary, the available evidence is currently insufficient to determine the role of this variant in disease. Therefore, it has been classified as a Variant of Uncertain Significance.